The following is an entry in ClinVar:

ClinVar aggregate classification (germline): Pathogenic (1 of 4 stars; one submission).

Conditions:
Immunodeficiency, common variable, 2 (CVID2). Also called: ANTIBODY DEFICIENCY DUE TO TACI DEFECT; HYPOGAMMAGLOBULINEMIA DUE TO TACI DEFICIENCY. Identifiers: Orphanet 1572, MedGen C3150354, MONDO:0009413, OMIM 240500.

Allele frequency attached by ClinVar (database versions not stated): gnomAD exomes below 0.00001; gnomAD 0.00001.

Submission:

Labcorp Genetics (formerly Invitae), Labcorp
Classification: Pathogenic for Immunodeficiency, common variable, 2. Last evaluated: 2024-02-24. Review status: criteria provided, single submitter. Criteria: Invitae Variant Classification Sherloc (09022015). Collection method: clinical testing. Allele origin: germline.
Comment: This sequence change creates a premature translational stop signal (p.Thr166Serfs*55) in the TNFRSF13B gene. While this is not anticipated to result in nonsense mediated decay, it is expected to disrupt the last 128 amino acid(s) of the TNFRSF13B protein. This variant is not present in population databases (gnomAD no frequency). This variant has not been reported in the literature in individuals affected with TNFRSF13B-related conditions. ClinVar contains an entry for this variant (Variation ID: 1401351). This variant disrupts a region of the TNFRSF13B protein in which other variant(s) (p.Ser194*) have been determined to be pathogenic (PMID: 23237420). This suggests that this is a clinically significant region of the protein, and that variants that disrupt it are likely to be disease-causing. For these reasons, this variant has been classified as Pathogenic.

Literature cited by the submitters: PubMed 23237420.

NM_012452.3(TNFRSF13B):c.497del (p.Thr166fs)

Gene: TNFRSF13B (TNF receptor superfamily member 13B; minus strand). Cytogenetic location: 17p11.2.
Variant type: Deletion.
Coding change: c.497del on transcript NM_012452.3 (MANE Select); coding-DNA position 497, one base deleted (C; older notation c.497delC).
Protein change: p.Thr166fs; shifts the reading frame from threonine 166.
Molecular consequence: frameshift variant.
Genome position (GRCh38, 1-based): chr17:16,940,460, G deleted on the plus strand (C on the coding strand, the reverse complement: TNFRSF13B is on the minus strand). VCF-style (leftmost placement, unchanged base first): chr17-16940459-CG-C. GRCh37 (hg19) VCF-style: chr17-16843773-CG-C.
Other names: short protein forms T166fs.
Identifiers: ClinVar variation 1401351 (VCV001401351.6), dbSNP rs2087501902, ClinGen allele CA981908427.